The following is an entry in ClinVar:

NM_001386298.1(CIC):c.6239_6246del (p.Arg2080fs)

Gene: CIC (capicua transcriptional repressor; plus strand). Cytogenetic location: 19q13.2.
Variant type: Microsatellite.
Coding change: c.6239_6246del on transcript NM_001386298.1 (MANE Select); coding-DNA positions 6239 to 6246, 8 bases deleted (GGCCCAGC; older notation c.6239_6246delGGCCCAGC).
Protein change: p.Arg2080fs; shifts the reading frame from arginine 2080.
Molecular consequence: frameshift variant.
Genome position (GRCh38, 1-based): chr19:42,292,998-42,293,005, GGCCCAGC deleted; deleting any 8 consecutive bases within chr19:42,292,990-42,293,005 gives the same sequence; the c. name uses the placement nearest the transcript's 3' end. VCF-style (leftmost placement, unchanged base first): chr19-42292989-AGGCCCAGC-A. GRCh37 (hg19) VCF-style: chr19-42797141-AGGCCCAGC-A.
Other names: c.3512_3519del, p.Arg1171fs (NM_001379484.1, NM_001379485.1, NM_001439190.1 and 1 more transcripts); c.6239_6246del, p.Arg2080fs (NM_001439183.1, NM_001439186.1, NM_001439187.1 and 2 more transcripts); c.6236_6243del, p.Arg2079fs (NM_001439184.1, NM_001439185.1, NM_001439188.1 and 1 more transcripts); c.3509_3516del, p.Arg1170fs (NM_001439189.1, NM_001439191.1); short protein forms R1170fs, R1171fs, R2079fs, R2080fs.
Identifiers: ClinVar variation 4292568 (VCV004292568.1).
Genomic context (GRCh38, chr19:42,292,989, plus strand): 5'-CTCAGCAAACAATTTTCTCCCCACTAGCAGGTTCCATGACCTACAGCTTAGTGGCCCCCA[AGGCCCAGC>A]GGCCCAGCCCGAAGGCCCCCCAGAAAGTGAAGGCAGCCATCGCCAGCATTCCCGTGGGGT-3'

ClinVar aggregate classification (germline): Likely pathogenic (1 of 4 stars; one submission).

Conditions:
Intellectual developmental disorder, autosomal dominant 45. Also called: MENTAL RETARDATION, AUTOSOMAL DOMINANT 45; Intellectual disability, autosomal dominant 45. Identifiers: MedGen C4539848, MONDO:0030910, OMIM 617600.

Submission:

3billion
Classification: Likely pathogenic for Intellectual developmental disorder, autosomal dominant 45. Last evaluated: 2024-09-28. Review status: criteria provided, single submitter. Criteria: ACMG Guidelines, 2015. Collection method: clinical testing. Allele origin: germline. Affected: yes.
Comment: The variant is not observed in the gnomAD v4.1.0 dataset. Predicted Consequence/Location: Frameshift: predicted to result in a loss or disruption of normal protein function through nonsense-mediated decay (NMD) or protein truncation. Multiple pathogenic variants are reported downstream of the variant. Therefore, this variant is classified as Likely pathogenic according to the recommendation of ACMG/AMP guideline.